The following is an entry in ClinVar:

NM_003632.3(CNTNAP1):c.3750C>T (p.Cys1250=)

Gene: CNTNAP1 (contactin associated protein 1; plus strand). Cytogenetic location: 17q21.2.
Variant type: single nucleotide variant.
Coding change: c.3750C>T on transcript NM_003632.3 (MANE Select); coding-DNA position 3750, C replaced by T.
Protein change: p.Cys1250=; no amino-acid change (cysteine 1250 retained).
Molecular consequence: synonymous variant.
Genome position (GRCh38, 1-based): chr17:42,697,735, C>T. VCF-style: chr17-42697735-C-T. GRCh37 (hg19) VCF-style: chr17-40849753-C-T.
Other names: p.Cys1250=.
Identifiers: ClinVar variation 733155 (VCV000733155.31), dbSNP rs141617249, ClinGen allele CA8582439.

ClinVar aggregate classification (germline): Benign/Likely benign. Review status: criteria provided, multiple submitters, no conflicts (2 of 4 stars). 5 submissions from 5 submitters: Benign (1); Likely benign (4). Last evaluated 2026-03-10.

Allele frequency attached by ClinVar (database versions not stated): 1000 Genomes Project 30x 0.00016; 1000 Genomes Project 0.00020; gnomAD 0.00029 and 0.00031; TOPMed 0.00033; gnomAD exomes 0.00043; ExAC 0.00052; ESP Exome Variant Server 0.00062.
gnomAD v4.1: 756 of 1,614,140 alleles (0.047%); highest among the groups gnomAD compares: South Asian, 0.058%; 1 homozygote.

Submissions (5):

Women's Health and Genetics/Laboratory Corporation of America, LabCorp
Classification: Likely benign. Last evaluated: 2026-03-10. Review status: criteria provided, single submitter. Criteria: LabCorp Variant Classification Summary - May 2015. Collection method: clinical testing. Allele origin: germline.

CeGaT Center for Human Genetics Tuebingen
Classification: Likely benign. Last evaluated: 2025-11-01. Review status: criteria provided, single submitter. Criteria: CeGaT Center For Human Genetics Tuebingen Variant Classification Criteria Version 2. Collection method: clinical testing. Allele origin: germline. Affected: yes. Observed: 3 variant alleles.
Comment: CNTNAP1: BP4, BP7

Labcorp Genetics (formerly Invitae), Labcorp
Classification: Benign. Last evaluated: 2025-09-16. Review status: criteria provided, single submitter. Criteria: Invitae Variant Classification Sherloc (09022015). Collection method: clinical testing. Allele origin: germline.

Mayo Clinic Laboratories, Mayo Clinic
Classification: Likely benign. Last evaluated: 2025-07-10. Review status: criteria provided, single submitter. Criteria: ACMG Guidelines, 2015. Collection method: clinical testing. Allele origin: germline. Observed: 2 variant alleles.
Comment: BP4, BP7

Blueprint Genetics
Classification: Likely benign. Last evaluated: 2024-11-07. Review status: criteria provided, single submitter. Criteria: ACMG Guidelines, 2015. Collection method: clinical testing. Allele origin: germline.